The following is an entry in ClinVar:

ClinVar aggregate classification (germline): Uncertain significance. Review status: criteria provided, multiple submitters, no conflicts (2 of 4 stars). 2 submissions from 2 submitters: Uncertain significance (2). Last evaluated 2023-01-20.

Conditions:
Macular degeneration, early-onset (EOMD). Identifiers: MedGen C4015286, MONDO:0014501, OMIM 616118.
Congenital contractural arachnodactyly (CCA). Also called: BEALS SYNDROME; Beals-Hecht syndrome; Arthrogryposis, distal, type 9. Identifiers: Orphanet 115, MedGen C0220668, MONDO:0007363, OMIM 121050.

Submissions (2):

GeneDx
Classification: Uncertain significance. Last evaluated: 2023-01-20. Review status: criteria provided, single submitter. Criteria: GeneDx Variant Classification Process June 2021. Collection method: clinical testing. Allele origin: germline. Affected: yes.
Comment: Not observed at significant frequency in large population cohorts (gnomAD); In silico analysis supports a deleterious effect on splicing; Has not been previously published as pathogenic or benign to our knowledge

Center for Genomics, Ann and Robert H. Lurie Children's Hospital of Chicago
Classification: Uncertain significance for Macular degeneration, early-onset; Congenital contractural arachnodactyly. Review status: criteria provided, single submitter. Criteria: ACMG Guidelines, 2015. Collection method: clinical testing. Allele origin: germline.
Comment: FBN2 NM_001999.3 intron 1 c.255-3C>G: This variant has not been reported in the literature and is not present in large control databases. Evolutionary conservation and computational predictive tools for this variant are limited or unavailable. Splice prediction tools suggest that this variant may affect splicing. However, further studies are needed to understand its impact. In summary, data on this variant is insufficient for disease classification. Therefore, the clinical significance of this variant is uncertain.

NM_001999.4(FBN2):c.255-3C>G

Gene: FBN2 (fibrillin 2; minus strand). Cytogenetic location: 5q23.3.
Variant type: single nucleotide variant.
Coding change: c.255-3C>G on transcript NM_001999.4 (MANE Select); 3 bases into the intron before coding-DNA position 255, C replaced by G.
Molecular consequence: intron variant.
Genome position (GRCh38, 1-based): chr5:128,536,487, G>C on the plus strand (C>G on the coding strand, the complement: FBN2 is on the minus strand). VCF-style: chr5-128536487-G-C. GRCh37 (hg19) VCF-style: chr5-127872180-G-C.
Identifiers: ClinVar variation 1675084 (VCV001675084.4), dbSNP rs2112809259, ClinGen allele CA2573138727.